The following is an entry in ClinVar:

ClinVar aggregate classification (germline): Uncertain significance (1 of 4 stars; one submission).

Submission:

GeneDx
Classification: Uncertain significance. Last evaluated: 2022-12-02. Review status: criteria provided, single submitter. Criteria: GeneDx Variant Classification Process June 2021. Collection method: clinical testing. Allele origin: germline. Affected: yes.
Comment: Not observed at significant frequency in large population cohorts (gnomAD); In silico analysis supports that this missense variant has a deleterious effect on protein structure/function; Has not been previously published as pathogenic or benign to our knowledge

NM_000163.5(GHR):c.527A>G (p.Glu176Gly)

Gene: GHR (growth hormone receptor; plus strand). Cytogenetic location: 5p12.
Variant type: single nucleotide variant.
Coding change: c.527A>G on transcript NM_000163.5 (MANE Select); coding-DNA position 527, A replaced by G.
Protein change: p.Glu176Gly; replaces glutamic acid 176 with glycine.
Molecular consequence: missense variant.
Genome position (GRCh38, 1-based): chr5:42,699,911, A>G. VCF-style: chr5-42699911-A-G. GRCh37 (hg19) VCF-style: chr5-42700013-A-G.
Other names: c.548A>G, p.Glu183Gly (NM_001242399.2); c.527A>G, p.Glu176Gly (NM_001242400.2, NM_001242401.4, NM_001242402.2 and 5 more transcripts); c.461A>G, p.Glu154Gly (NM_001242460.2); short protein forms E154G, E176G, E183G.
Identifiers: ClinVar variation 2504532 (VCV002504532.1), dbSNP rs2530690506, ClinGen allele CA359695562.
Genomic context (GRCh38, chr5:42,699,911, plus strand): 5'-ACTGGACTTTACTGAACGTCAGTTTAACTGGGATTCATGCAGATATCCAAGTGAGATGGG[A>G]AGCACCACGCAATGCAGATATTCAGAAAGGATGGATGGTTCTGGAGTATGAACTTCAATA-3'
Protein context (NP_000154.1, residues 166-186): GIHADIQVRW[Glu176Gly]APRNADIQKG